The following is an entry in ClinVar:

ClinVar aggregate classification (germline): Uncertain significance (1 of 4 stars; one submission).

Conditions:
Developmental and epileptic encephalopathy, 12 (DEE12). Identifiers: MedGen C3150988, MONDO:0013389, OMIM 613722.

Submission:

Labcorp Genetics (formerly Invitae), Labcorp
Classification: Uncertain significance for Early infantile epileptic encephalopathy 12. Last evaluated: 2019-05-20. Review status: criteria provided, single submitter. Criteria: Invitae Variant Classification Sherloc (09022015). Collection method: clinical testing. Allele origin: germline.
Comment: This variant results in a copy number gain of the genomic region encompassing the full coding sequence of the PNKP gene. The boundaries of this event are unknown as they extend beyond the assayed region for this gene and therefore may encompass additional genes. As the precise location of this event is unknown, it may be in tandem or it may be located elsewhere in the genome. This variant has not been reported in the literature in individuals with PNKP-related conditions. In summary, the available evidence is currently insufficient to determine the role of this variant in disease. Therefore, it has been classified as a Variant of Uncertain Significance.

NC_000019.10:g.(?_49861228)_(49867224_?)dup

Gene: PNKP (polynucleotide kinase 3'-phosphatase; minus strand). Cytogenetic location: 19q13.33.
Variant type: Duplication.
Identifiers: ClinVar variation 832972 (VCV000832972.1).